The following is an entry in ClinVar:

ClinVar aggregate classification (germline): Uncertain significance. Review status: criteria provided, multiple submitters, no conflicts (2 of 4 stars). 2 submissions from 2 submitters: Uncertain significance (2). Last evaluated 2025-08-08.

Submissions (2):

Ambry Genetics
Classification: Uncertain significance. Last evaluated: 2025-08-08. Review status: criteria provided, single submitter. Criteria: Ambry Variant Classification Scheme 2023. Collection method: clinical testing. Allele origin: germline.
Comment: The p.D198N variant (also known as c.592G>A), located in coding exon 5 of the RINT1 gene, results from a G to A substitution at nucleotide position 592. The aspartic acid at codon 198 is replaced by asparagine, an amino acid with highly similar properties. This amino acid position is conserved. In addition, this alteration is predicted to be tolerated by in silico analysis. Since supporting evidence is limited at this time, the clinical significance of this alteration remains unclear.

Labcorp Genetics (formerly Invitae), Labcorp
Classification: Uncertain significance. Last evaluated: 2021-02-18. Review status: criteria provided, single submitter. Criteria: Invitae Variant Classification Sherloc (09022015). Collection method: clinical testing. Allele origin: germline.
Comment: This sequence change replaces aspartic acid with asparagine at codon 198 of the RINT1 protein (p.Asp198Asn). The aspartic acid residue is moderately conserved and there is a small physicochemical difference between aspartic acid and asparagine. This variant is not present in population databases (ExAC no frequency). In summary, the available evidence is currently insufficient to determine the role of this variant in disease. Therefore, it has been classified as a Variant of Uncertain Significance. Algorithms developed to predict the effect of missense changes on protein structure and function (SIFT, PolyPhen-2, Align-GVGD) all suggest that this variant is likely to be tolerated, but these predictions have not been confirmed by published functional studies and their clinical significance is uncertain. This variant has not been reported in the literature in individuals with RINT1-related conditions.

NM_021930.6(RINT1):c.592G>A (p.Asp198Asn)

Gene: RINT1 (RAD50 interactor 1; plus strand). Cytogenetic location: 7q22.3.
Variant type: single nucleotide variant.
Coding change: c.592G>A on transcript NM_021930.6 (MANE Select); coding-DNA position 592, G replaced by A.
Protein change: p.Asp198Asn; replaces aspartic acid 198 with asparagine.
Molecular consequence: missense variant. On other transcripts: 5 prime UTR variant (2), non-coding transcript variant (1), intron variant (1).
Genome position (GRCh38, 1-based): chr7:105,546,986, G>A. VCF-style: chr7-105546986-G-A. GRCh37 (hg19) VCF-style: chr7-105187433-G-A.
Other names: c.592G>A (NM_021930.4); c.358G>A, p.Asp120Asn (NM_001346599.2); c.-428G>A (NM_001346600.2); c.-331G>A (NM_001346601.2); c.-27-3069G>A (NM_001346603.2); short protein forms D120N, D198N.
Identifiers: ClinVar variation 1512563 (VCV001512563.10), dbSNP rs1586234514, ClinGen allele CA368805432.
Genomic context (GRCh38, chr7:105,546,986, plus strand): 5'-TATCTGATGACCAATAATGTACCGGAGGCAGCCTCCACTCTAGTGTCTATGGCAGAACTT[G>A]ACATTAAACTTCAGGAATCATCTTGTACTCATCTTCTTGGTTTCATGAGAGCCACAGTTA-3'
Protein context (NP_068749.3, residues 188-208): ASTLVSMAEL[Asp198Asn]IKLQESSCTH